The following is an entry in ClinVar:

NM_001378454.1(ALMS1):c.8645T>G (p.Leu2882Arg)

Gene: ALMS1 (ALMS1 centrosome and basal body associated protein; plus strand). Cytogenetic location: 2p13.1.
Variant type: single nucleotide variant.
Coding change: c.8645T>G on transcript NM_001378454.1 (MANE Select); coding-DNA position 8645, T replaced by G.
Protein change: p.Leu2882Arg; replaces leucine 2882 with arginine.
Molecular consequence: missense variant.
Genome position (GRCh38, 1-based): chr2:73,490,604, T>G. VCF-style: chr2-73490604-T-G. GRCh37 (hg19) VCF-style: chr2-73717731-T-G.
Other names: c.8648T>G, p.Leu2883Arg (NM_015120.4); short protein forms L2882R, L2883R.
Identifiers: ClinVar variation 4845063 (VCV004845063.1).

ClinVar aggregate classification (germline): Uncertain significance (1 of 4 stars; one submission).

Conditions:
Cardiovascular phenotype. Identifiers: MedGen CN230736.

gnomAD v4.1: 1 of 1,614,190 alleles (0.000062%); highest among the groups gnomAD compares: East Asian, 0.0022%; no homozygotes.

Submission:

Ambry Genetics
Classification: Uncertain significance for Cardiovascular phenotype. Last evaluated: 2026-03-02. Review status: criteria provided, single submitter. Criteria: Ambry Variant Classification Scheme 2023. Collection method: clinical testing. Allele origin: germline.
Comment: The p.L2883R variant (also known as c.8648T>G), located in coding exon 10 of the ALMS1 gene, results from a T to G substitution at nucleotide position 8648. The leucine at codon 2883 is replaced by arginine, an amino acid with dissimilar properties. This amino acid position is highly conserved in available vertebrate species. In addition, this alteration is predicted to be deleterious by in silico analysis. Based on the available evidence, the clinical significance of this variant remains unclear.